The following is an entry in ClinVar:

NC_000002.12:g.121530891T>A

Genes: CLASP1 (cytoplasmic linker associated protein 1; minus strand), CLASP1-AS1 (CLASP1 antisense RNA 1; plus strand), RNU4ATAC (RNA, U4atac small nuclear; plus strand). Cytogenetic location: 2q14.2.
Variant type: single nucleotide variant.
Molecular consequence: intron variant (on NM_001395891.1).
Genome position: GRCh38 VCF-style: chr2-121530891-T-A. GRCh37 (hg19) VCF-style: chr2-122288467-T-A.
Other names: c.196-566A>T (NM_015282.3, NM_001378003.1, NM_001395891.1 and 5 more transcripts).
Identifiers: ClinVar variation 1506268 (VCV001506268.3), dbSNP rs763786601, ClinGen allele CA1854680.

ClinVar aggregate classification (germline): Uncertain significance (1 of 4 stars; one submission).

gnomAD v4.1: 31 of 693,630 alleles (0.0045%); highest among the groups gnomAD compares: South Asian, 0.03%; no homozygotes.

Submission:

Labcorp Genetics (formerly Invitae), Labcorp
Classification: Uncertain significance. Last evaluated: 2022-07-06. Review status: criteria provided, single submitter. Criteria: Invitae Variant Classification Sherloc (09022015). Collection method: clinical testing. Allele origin: germline.
Comment: This variant occurs in the RNU4ATAC gene, which encodes an RNA molecule that does not result in a protein product. This variant is present in population databases (rs763786601, gnomAD 0.02%). This variant has not been reported in the literature in individuals affected with RNU4ATAC-related conditions. ClinVar contains an entry for this variant (Variation ID: 1506268). Experimental studies and prediction algorithms are not available or were not evaluated, and the functional significance of this variant is currently unknown. In summary, the available evidence is currently insufficient to determine the role of this variant in disease. Therefore, it has been classified as a Variant of Uncertain Significance.